The following is an entry in ClinVar:

ClinVar aggregate classification (germline): Uncertain significance (1 of 4 stars; one submission).

Conditions:
POLD1-related polyposis and colorectal cancer syndrome (CRCS10). Also called: Colorectal cancer 10; Colorectal cancer, susceptibility to, 10; COLORECTAL CANCER, SUSCEPTIBILITY TO, ON CHROMOSOME 19q. Identifiers: Orphanet 220460, MedGen C2675481, MONDO:0012953, OMIM 612591.

gnomAD v4.1: 1 of 1,553,120 alleles (0.000064%); highest among the groups gnomAD compares: Non-Finnish European, 0.000087%; no homozygotes.

Submission:

Labcorp Genetics (formerly Invitae), Labcorp
Classification: Uncertain significance for POLD1-related polyposis and colorectal cancer syndrome. Last evaluated: 2022-11-23. Review status: criteria provided, single submitter. Criteria: Invitae Variant Classification Sherloc (09022015). Collection method: clinical testing. Allele origin: germline.
Comment: Advanced modeling of protein sequence and biophysical properties (such as structural, functional, and spatial information, amino acid conservation, physicochemical variation, residue mobility, and thermodynamic stability) performed at Invitae indicates that this missense variant is not expected to disrupt POLD1 protein function. This variant has not been reported in the literature in individuals affected with POLD1-related conditions. This variant is not present in population databases (gnomAD no frequency). This sequence change replaces alanine, which is neutral and non-polar, with threonine, which is neutral and polar, at codon 981 of the POLD1 protein (p.Ala981Thr). In summary, the available evidence is currently insufficient to determine the role of this variant in disease. Therefore, it has been classified as a Variant of Uncertain Significance.

NM_002691.4(POLD1):c.2941G>A (p.Ala981Thr)

Gene: POLD1 (DNA polymerase delta 1, catalytic subunit; plus strand). Cytogenetic location: 19q13.33.
Variant type: single nucleotide variant.
Coding change: c.2941G>A on transcript NM_002691.4 (MANE Select); coding-DNA position 2941, G replaced by A.
Protein change: p.Ala981Thr; replaces alanine 981 with threonine.
Molecular consequence: missense variant. On other transcripts: non-coding transcript variant (1).
Genome position (GRCh38, 1-based): chr19:50,416,516, G>A. VCF-style: chr19-50416516-G-A. GRCh37 (hg19) VCF-style: chr19-50919773-G-A.
Other names: c.2941G>A, p.Ala981Thr (NM_001256849.1); c.3019G>A, p.Ala1007Thr (NM_001308632.1); short protein forms A1007T, A981T.
Identifiers: ClinVar variation 2815771 (VCV002815771.3), dbSNP rs878854546, ClinGen allele CA406986673.